The following is an entry in ClinVar:

NM_017950.4(CCDC40):c.1997A>G (p.His666Arg)

Gene: CCDC40 (coiled-coil domain 40 molecular ruler complex subunit; plus strand). Cytogenetic location: 17q25.3.
Variant type: single nucleotide variant.
Coding change: c.1997A>G on transcript NM_017950.4 (MANE Select); coding-DNA position 1997, A replaced by G.
Protein change: p.His666Arg; replaces histidine 666 with arginine.
Molecular consequence: missense variant.
Genome position (GRCh38, 1-based): chr17:80,084,750, A>G. VCF-style: chr17-80084750-A-G. GRCh37 (hg19) VCF-style: chr17-78058549-A-G.
Other names: c.1997A>G, p.His666Arg (NM_001243342.2); short protein forms H666R.
Identifiers: ClinVar variation 3139151 (VCV003139151.3), dbSNP rs370564898, ClinGen allele CA8814089.

ClinVar aggregate classification (germline): Uncertain significance. Review status: criteria provided, multiple submitters, no conflicts (2 of 4 stars). 2 submissions from 2 submitters: Uncertain significance (2). Last evaluated 2025-01-10.

Conditions:
Primary ciliary dyskinesia. Also called: Ciliary dyskinesia. Identifiers: Orphanet 244, MedGen C0008780, MONDO:0016575, HP:0012265.

Allele frequency attached by ClinVar (database versions not stated): ExAC 0.00002; gnomAD 0.00003; gnomAD exomes 0.00003; TOPMed 0.00004; ESP Exome Variant Server 0.00008.
gnomAD v4.1: 45 of 1,613,936 alleles (0.0028%); highest among the groups gnomAD compares: Non-Finnish European, 0.0037%; no homozygotes.

Submissions (2):

Ambry Genetics
Classification: Uncertain significance for Primary ciliary dyskinesia. Last evaluated: 2025-01-10. Review status: criteria provided, single submitter. Criteria: Ambry Variant Classification Scheme 2023. Collection method: clinical testing. Allele origin: germline.

GeneDx
Classification: Uncertain significance. Last evaluated: 2023-07-25. Review status: criteria provided, single submitter. Criteria: GeneDx Variant Classification Process June 2021. Collection method: clinical testing. Allele origin: germline. Affected: yes.
Comment: In silico analysis supports that this missense variant has a deleterious effect on protein structure/function; Has not been previously published as pathogenic or benign to our knowledge